The following is an entry in ClinVar:

NM_000552.5(VWF):c.6052A>G (p.Ser2018Gly)

Gene: VWF (von Willebrand factor; minus strand). Cytogenetic location: 12p13.31.
Variant type: single nucleotide variant.
Coding change: c.6052A>G on transcript NM_000552.5 (MANE Select); coding-DNA position 6052, A replaced by G.
Protein change: p.Ser2018Gly; replaces serine 2018 with glycine.
Molecular consequence: missense variant.
Genome position (GRCh38, 1-based): chr12:5,996,013, T>C on the plus strand (A>G on the coding strand, the complement: VWF is on the minus strand). VCF-style: chr12-5996013-T-C. GRCh37 (hg19) VCF-style: chr12-6105179-T-C.
Other names: short protein forms S2018G.
Identifiers: ClinVar variation 3359550 (VCV003359550.2).

ClinVar aggregate classification (germline): Uncertain significance (1 of 4 stars; one submission).

gnomAD v4.1: 55 of 1,612,806 alleles (0.0034%); highest among the groups gnomAD compares: African/African-American, 0.067%; no homozygotes.

Submission:

GeneDx
Classification: Uncertain significance. Last evaluated: 2026-01-21. Review status: criteria provided, single submitter. Criteria: GeneDx Variant Classification Process June 2021. Collection method: clinical testing. Allele origin: germline.
Comment: In silico analysis suggests that this missense variant does not alter protein structure/function; Has not been previously published as pathogenic or benign to our knowledge